The following is an entry in ClinVar:

ClinVar aggregate classification (germline): Uncertain significance (1 of 4 stars; one submission).

Conditions:
Hereditary cancer-predisposing syndrome. Also called: Hereditary neoplastic syndrome; Hereditary Cancer Syndrome; Neoplastic Syndromes, Hereditary; Tumor predisposition. Identifiers: Orphanet 140162, MedGen C0027672, MeSH D009386, MONDO:0015356.

gnomAD v4.1: 1 of 1,593,390 alleles (0.000063%); highest among the groups gnomAD compares: Non-Finnish European, 0.000085%; no homozygotes.

Submission:

Ambry Genetics
Classification: Uncertain significance for Hereditary cancer-predisposing syndrome. Last evaluated: 2019-08-15. Review status: criteria provided, single submitter. Criteria: Ambry Variant Classification Scheme 2023. Collection method: clinical testing. Allele origin: germline.
Comment: The p.A48G variant (also known as c.143C>G), located in coding exon 1 of the MSH6 gene, results from a C to G substitution at nucleotide position 143. The alanine at codon 48 is replaced by glycine, an amino acid with similar properties. This amino acid position is not well conserved in available vertebrate species. In addition, this alteration is predicted to be tolerated by in silico analysis. Since supporting evidence is limited at this time, the clinical significance of this alteration remains unclear.

NM_000179.3(MSH6):c.143C>G (p.Ala48Gly)

Gene: MSH6 (mutS homolog 6; plus strand). Cytogenetic location: 2p16.3.
Variant type: single nucleotide variant.
Coding change: c.143C>G on transcript NM_000179.3 (MANE Select); coding-DNA position 143, C replaced by G.
Protein change: p.Ala48Gly; replaces alanine 48 with glycine.
Molecular consequence: missense variant. On other transcripts: 5 prime UTR variant (1).
Genome position (GRCh38, 1-based): chr2:47,783,376, C>G. VCF-style: chr2-47783376-C-G. GRCh37 (hg19) VCF-style: chr2-48010515-C-G.
Other names: c.143C>G, p.Ala48Gly (NM_001281492.2); c.-594C>G (NM_001281493.2); short protein forms A48G.
Identifiers: ClinVar variation 229931 (VCV000229931.5), dbSNP rs876658278, ClinGen allele CA10578024.